The following is an entry in ClinVar:

NM_018116.4(MSTO1):c.651C>G (p.Phe217Leu)

Gene: MSTO1 (misato mitochondrial distribution and morphology regulator 1; plus strand). Cytogenetic location: 1q22.
Variant type: single nucleotide variant.
Coding change: c.651C>G on transcript NM_018116.4 (MANE Select); coding-DNA position 651, C replaced by G.
Protein change: p.Phe217Leu; replaces phenylalanine 217 with leucine.
Molecular consequence: missense variant. On other transcripts: non-coding transcript variant (6).
Genome position (GRCh38, 1-based): chr1:155,612,073, C>G. VCF-style: chr1-155612073-C-G. GRCh37 (hg19) VCF-style: chr1-155581864-C-G.
Other names: c.651C>G, p.Phe217Leu (NM_001256532.1, NM_001256533.1, NM_001350772.1 and 3 more transcripts); c.486C>G, p.Phe162Leu (NM_001350776.1); c.120C>G, p.Phe40Leu (NM_001350777.1, NM_001350778.1, NM_001350779.1); c.117C>G, p.Phe39Leu (NM_001350780.1, NM_001350781.1, NM_001350782.1 and 3 more transcripts); c.108C>G, p.Phe36Leu (NM_001350784.1, NM_001350785.1, NM_001350787.1 and 1 more transcripts); short protein forms F162L, F217L, F39L, F36L, F40L.
Identifiers: ClinVar variation 684407 (VCV000684407.11), dbSNP rs776826330, ClinGen allele CA1147957.

ClinVar aggregate classification (germline): Conflicting classifications of pathogenicity. Review status: criteria provided, conflicting classifications (1 of 4 stars). 6 submissions from 6 submitters: Pathogenic (2); Likely pathogenic (3); Uncertain significance (1). Last evaluated 2025-10-24.

Conditions:
Inborn mitochondrial myopathy. Also called: Mitochondrial myopathy; Mitochondrial Myopathies. Identifiers: Orphanet 206966, MedGen C0162670, MONDO:0009637, HP:0003737.
Mitochondrial myopathy-cerebellar ataxia-pigmentary retinopathy syndrome. Also called: MYOPATHY, MITOCHONDRIAL, AND ATAXIA. Identifiers: Orphanet 502423, MedGen C4540096, MONDO:0044714, OMIM 617675.

Allele frequency attached by ClinVar (database versions not stated): gnomAD 0.00012; gnomAD exomes 0.00006 and 0.00010; TOPMed 0.00006; ExAC 0.00007.
gnomAD v4.1: 162 of 1,609,812 alleles (0.01%); highest among the groups gnomAD compares: Non-Finnish European, 0.013%; no homozygotes.

Submissions (6):

Variantyx, Inc.
Classification: Pathogenic for Mitochondrial myopathy-cerebellar ataxia-pigmentary retinopathy syndrome. Last evaluated: 2025-10-24. Review status: criteria provided, single submitter. Criteria: Variantyx Assertion Criteria 2022. Collection method: clinical testing. Allele origin: germline. Inheritance: Autosomal recessive inheritance. Affected: yes.
Comment: This is a nonsynonymous variant in the MSTO1 gene (OMIM: 617619). Pathogenic variants in this gene have been associated with autosomal recessive mitochondrial myopathy and ataxia. While computational algorithms produce conflicting evidence regarding the predicted functional impact of this variant (REVEL score: 0.364), functional studies have shown that this variant alters MSTO1 protein function (PMID: 31463572) (PS3). This variant has a 0.0131% maximum allele frequency in non-founder control populations (PM2). . Based on the current evidence, this variant is classified as pathogenic for autosomal recessive mitochondrial myopathy and ataxia.

GeneDx
Classification: Pathogenic. Last evaluated: 2024-12-11. Review status: criteria provided, single submitter. Criteria: GeneDx Variant Classification Process June 2021. Collection method: clinical testing. Allele origin: germline. Affected: yes.
Comment: In silico analysis supports that this missense variant has a deleterious effect on protein structure/function; Not observed at significant frequency in large population cohorts (gnomAD); This variant is associated with the following publications: (PMID: 31463572, 31604776, 36468072, 37273706, 33726816)

Broad Center for Mendelian Genomics, Broad Institute of MIT and Harvard
Classification: Uncertain significance for Mitochondrial myopathy-cerebellar ataxia-pigmentary retinopathy syndrome. Last evaluated: 2024-12-10. Review status: criteria provided, single submitter. Criteria: ACMG Guidelines, 2015. Collection method: research. Allele origin: germline. Inheritance: Autosomal recessive inheritance.
Comment: The heterozygous p.Phe217Leu variant in MSTO1 was identified by our study, in the compound heterozygous state, along with another likely pathogenic variant, in 2 unrelated individuals with myopathy, mitochondrial, and ataxia. The p.Phe217Leu variant in MSTO1 has been reported in 3 additional individuals with myopathy, mitochondrial, and ataxia (PMID: 31463572), and has been identified in 0.01% (154/1178954) of European (non-Finnish) chromosomes by the Genome Aggregation Database (gnomAD; dbSNP rs776826330). Although this variant has been seen in the general population, its frequency is low enough to be consistent with a recessive carrier frequency. Of the 5 affected individuals, 1 was a homozygote and 1 was a compound heterozygotes that carried a reported likely pathogenic variant in trans, which increases the likelihood that the p.Phe217Leu variant is pathogenic (PMID: 31463572, PMID: 31604776). This variant has been been reported in ClinVar (Variation ID: 684407) and has been interpreted as likely pathogenic by Clinical Genetics Laboratory (Skane University Hospital Lund), Laboratory for Molecular Medicine (Mass General Brigham Personalized Medicine), and GeneDx. In vitro functional studies provide some evidence that the p.Phe217Leu variant may impact protein function (PMID: 31463572). However, these types of assays may not accurately represent biological function. Computational prediction tools and conservation analyses do not provide strong support for or against an impact to the protein. In summary, the clinical significance of the p.Phe217Leu variant is uncertain. ACMG/AMP Criteria applied: PS3_moderate, PM2_supporting, PM3 (Richards 2015).

Clinical Genetics Laboratory, Skane University Hospital Lund
Classification: Likely pathogenic. Last evaluated: 2023-12-18. Review status: criteria provided, single submitter. Criteria: ACMG Guidelines, 2015. Collection method: clinical testing. Allele origin: germline. Affected: yes.

Laboratory for Molecular Medicine, Mass General Brigham Personalized Medicine
Classification: Likely pathogenic for Inborn mitochondrial myopathy. Last evaluated: 2021-01-06. Review status: criteria provided, single submitter. Criteria: ACMG Guidelines, 2015. Collection method: clinical testing. Allele origin: germline. Inheritance: Autosomal recessive inheritance.
Comment: The p.Phe217Leu variant in MSTO1 has been identified in 6 probands with early childhood-onset muscular dystrophy, mitochondrial myopathy, and cerebellar ataxia. Five of these individuals were compound heterozygous for a second variant in this gene, while the remaining individual was apparently homozygous for this variant (Donkervoot 2019, PMID: 31463572; Schultz-Rogers 2019, PMID: 31604776; Broad Institute Rare Genomes Project). This variant has been identified in 0.01% (17/126840) European chromosomes by gnomAD. However, this frequency is low enough to be consistent with a recessive allele frequency. This variant has also been reported in ClinVar (Variation ID 684407). Functional studies using fibroblasts from affected individuals support that this variant has an impact on protein function (Donkervoot 2019, PMID: 31463572). In summary, although additional studies are required to fully establish its clinical significance, this variant meets criteria to be classified as likely pathogenic for autosomal recessive mitochondrial myopathy and ataxia. ACMG/AMP Criteria applied: PM3_Strong, PS3_Moderate, PM2_Supporting.

Harry Perkins Institute Of Medical Research, University Of Western Australia
Classification: Likely pathogenic for Mitochondrial myopathy-cerebellar ataxia-pigmentary retinopathy syndrome. Review status: criteria provided, single submitter. Criteria: ACMG Guidelines, 2015. Collection method: research. Allele origin: paternal. Inheritance: Autosomal recessive inheritance. Affected: yes. Observed: 1 compound heterozygote.
Comment: PP5_moderate, PM2_supporting, PP3_supporting. Variant in trans with c.706G>C

Literature cited by the submitters: PubMed 31463572 (cited by 3 submitters); PubMed 31604776 (cited by Variantyx, Inc. and Laboratory for Molecular Medicine, Mass General Brigham Personalized Medicine).